The following is an entry in ClinVar:

NM_001206999.2(CIT):c.4686T>C (p.Asp1562=)

Gene: CIT (citron rho-interacting serine/threonine kinase; minus strand). Cytogenetic location: 12q24.23.
Variant type: single nucleotide variant.
Coding change: c.4686T>C on transcript NM_001206999.2 (MANE Select); coding-DNA position 4686, T replaced by C.
Protein change: p.Asp1562=; no amino-acid change (aspartic acid 1562 retained).
Molecular consequence: synonymous variant.
Genome position (GRCh38, 1-based): chr12:119,712,346, A>G on the plus strand (T>C on the coding strand, the complement: CIT is on the minus strand). VCF-style: chr12-119712346-A-G. GRCh37 (hg19) VCF-style: chr12-120150151-A-G.
Other names: c.4560T>C, p.Asp1520= (NM_007174.3).
Identifiers: ClinVar variation 1192009 (VCV001192009.4), dbSNP rs548588963, ClinGen allele CA6821129.

ClinVar aggregate classification (germline): Uncertain significance. Review status: criteria provided, single submitter (1 of 4 stars). 2 submissions from 2 submitters: Uncertain significance (1). 1 of the submissions does not count toward it. Last evaluated 2019-12-04.

Conditions:
CIT-related disorder. Also called: CIT-related condition.

Allele frequency attached by ClinVar (database versions not stated): TOPMed below 0.00001; gnomAD 0.00002; gnomAD exomes 0.00009 and 0.00022; ExAC 0.00021.
gnomAD v4.1: 133 of 1,607,966 alleles (0.0083%); highest among the groups gnomAD compares: South Asian, 0.14%; no homozygotes.

Submissions (2):

GeneDx
Classification: Uncertain significance. Last evaluated: 2019-12-04. Review status: criteria provided, single submitter. Criteria: GeneDx Variant Classification Process June 2021. Collection method: clinical testing. Allele origin: germline. Affected: yes.
Comment: Has not been previously published as pathogenic or benign to our knowledge; In silico analysis, which includes splice predictors and evolutionary conservation, suggests this variant may impact gene splicing. In the absence of RNA/functional studies, the actual effect of this sequence change is unknown

PreventionGenetics, part of Exact Sciences
Classification: Likely benign for CIT-related condition. Last evaluated: 2019-05-07. Review status: no assertion criteria provided. Collection method: clinical testing. Allele origin: germline. Not counted in ClinVar's aggregate classification.
Comment: This variant is classified as likely benign based on ACMG/AMP sequence variant interpretation guidelines (Richards et al. 2015 PMID: 25741868, with internal and published modifications).